The following is an entry in ClinVar:

ClinVar aggregate classification (germline): Benign. Review status: criteria provided, single submitter (1 of 4 stars). 2 submissions from 1 submitter: Benign (2). Last evaluated 2018-01-13.

Conditions:
Orofacial cleft 6, susceptibility to (OFC6). Also called: CLEFT LIP WITH OR WITHOUT CLEFT PALATE, NONSYNDROMIC, 6. Identifiers: MedGen C1837213, MONDO:0012141, OMIM 608864.
Van der Woude syndrome 1. Also called: CLEFT LIP AND/OR PALATE WITH MUCOUS CYSTS OF LOWER LIP; van der Woude Syndrome (VWS). Identifiers: MedGen C4551864, MONDO:0007333, OMIM 119300.

Allele frequency attached by ClinVar (database versions not stated): gnomAD 0.00008 and 0.00013; TOPMed 0.00021; 1000 Genomes Project 0.00060; 1000 Genomes Project 30x 0.00062.

Submissions (2):

Illumina Laboratory Services, Illumina
Classification: Benign for Orofacial cleft 6, susceptibility to. Last evaluated: 2018-01-13. Review status: criteria provided, single submitter. Criteria: ICSL Variant Classification Criteria 13 December 2019. Collection method: clinical testing. Allele origin: germline.
Comment: This variant was observed in the ICSL laboratory as part of a predisposition screen in an ostensibly healthy population. It had not been previously curated by ICSL or reported in the Human Gene Mutation Database (HGMD: prior to June 1st, 2018), and was therefore a candidate for classification through an automated scoring system. Utilizing variant allele frequency, disease prevalence and penetrance estimates, and inheritance mode, an automated score was calculated to assess if this variant is too frequent to cause the disease. Based on the score and internal cut-off values, a variant classified as benign is not then subjected to further curation. The score for this variant resulted in a classification of benign for this disease.

Illumina Laboratory Services, Illumina
Classification: Benign for Van der Woude syndrome 1. Last evaluated: 2018-01-13. Review status: criteria provided, single submitter. Criteria: ICSL Variant Classification Criteria 13 December 2019. Collection method: clinical testing. Allele origin: germline.
Comment: the same text as in the submission from Illumina Laboratory Services, Illumina above.

NM_006147.4(IRF6):c.*1771A>G

Gene: IRF6 (interferon regulatory factor 6; minus strand). Cytogenetic location: 1q32.2.
Variant type: single nucleotide variant.
Coding change: c.*1771A>G on transcript NM_006147.4 (MANE Select); 1771 bases downstream of the stop codon, A replaced by G.
Molecular consequence: 3 prime UTR variant.
Genome position (GRCh38, 1-based): chr1:209,786,649, T>C on the plus strand (A>G on the coding strand, the complement: IRF6 is on the minus strand). VCF-style: chr1-209786649-T-C. GRCh37 (hg19) VCF-style: chr1-209959994-T-C.
Other names: c.*1771A>G (NM_001206696.2).
Identifiers: ClinVar variation 876261 (VCV000876261.4), dbSNP rs201184204, ClinGen allele CA36751725.
Genomic context (GRCh38, chr1:209,786,649, plus strand): 5'-CCCCCAAAATGTAAAGTTTCTGTGCCTTTAATGCTTCCCGGTCCCTAAAAGCCCAACTTT[T>C]CCTCGAAGCTGGGCACCTGACCTTTAGCCAGGTTTCTTAATCTTTTCATGCTTTTCATAA-3'